The following is an entry in ClinVar:

NM_004655.4(AXIN2):c.230G>A (p.Arg77Gln)

Gene: AXIN2 (axin 2; minus strand). Cytogenetic location: 17q24.1.
Variant type: single nucleotide variant.
Coding change: c.230G>A on transcript NM_004655.4 (MANE Select); coding-DNA position 230, G replaced by A.
Protein change: p.Arg77Gln; replaces arginine 77 with glutamine.
Molecular consequence: missense variant.
Genome position (GRCh38, 1-based): chr17:65,558,391, C>T on the plus strand (G>A on the coding strand, the complement: AXIN2 is on the minus strand). VCF-style: chr17-65558391-C-T. GRCh37 (hg19) VCF-style: chr17-63554509-C-T.
Other names: c.230G>A (LRG_296t1); c.230G>A, p.Arg77Gln (NM_001363813.1); short protein forms R77Q.
Identifiers: ClinVar variation 533181 (VCV000533181.16), dbSNP rs778517452, ClinGen allele CA8719080.
Genomic context (GRCh38, chr17:65,558,391, plus strand): 5'-GTTCGGAACAGGTAAGCACCGTCTTGATCGCCCAATAAGGAGTGTAAGGACTTGGTCCAC[C>T]GGGTCAGAGGGGAATCCGGAGATGCCCGCCCCTCCGGCTCCCCCAACCCATCTTCGTTCC-3'
Protein context (NP_004646.3, residues 67-87): GRASPDSPLT[Arg77Gln]WTKSLHSLLG

ClinVar aggregate classification (germline): Conflicting classifications of pathogenicity. Review status: criteria provided, conflicting classifications (1 of 4 stars). 3 submissions from 3 submitters: Uncertain significance (2); Likely benign (1). Last evaluated 2026-03-19.

Conditions:
Hereditary cancer-predisposing syndrome. Also called: Tumor predisposition; Hereditary neoplastic syndrome; Neoplastic Syndromes, Hereditary; Hereditary Cancer Syndrome. Identifiers: Orphanet 140162, MedGen C0027672, MeSH D009386, MONDO:0015356.
Oligodontia-cancer predisposition syndrome. Also called: TOOTH AGENESIS-COLORECTAL CANCER SYNDROME. Identifiers: Orphanet 300576, MedGen C1837750, MONDO:0012075, OMIM 608615. Disease mechanism: loss of function.

Allele frequency attached by ClinVar (database versions not stated): TOPMed below 0.00001; ExAC 0.00001; gnomAD 0.00003 and 0.00002; gnomAD exomes 0.00001 and below 0.00001.
gnomAD v4.1: 24 of 1,608,614 alleles (0.0015%); highest among the groups gnomAD compares: South Asian, 0.0033%; no homozygotes.

Submissions (3):

Ambry Genetics
Classification: Likely benign for Hereditary cancer-predisposing syndrome. Last evaluated: 2026-03-19. Review status: criteria provided, single submitter. Criteria: Ambry Variant Classification Scheme 2023. Collection method: clinical testing. Allele origin: germline.

Labcorp Genetics (formerly Invitae), Labcorp
Classification: Uncertain significance for Oligodontia-cancer predisposition syndrome. Last evaluated: 2025-03-16. Review status: criteria provided, single submitter. Criteria: Invitae Variant Classification Sherloc (09022015). Collection method: clinical testing. Allele origin: germline.
Comment: This sequence change replaces arginine, which is basic and polar, with glutamine, which is neutral and polar, at codon 77 of the AXIN2 protein (p.Arg77Gln). This variant is present in population databases (rs778517452, gnomAD 0.003%). This variant has not been reported in the literature in individuals affected with AXIN2-related conditions. ClinVar contains an entry for this variant (Variation ID: 533181). Invitae Evidence Modeling of protein sequence and biophysical properties (such as structural, functional, and spatial information, amino acid conservation, physicochemical variation, residue mobility, and thermodynamic stability) indicates that this missense variant is expected to disrupt AXIN2 protein function with a positive predictive value of 80%. RNA analysis performed to evaluate the impact of this missense change on mRNA splicing indicates it does not significantly alter splicing (internal data). In summary, the available evidence is currently insufficient to determine the role of this variant in disease. Therefore, it has been classified as a Variant of Uncertain Significance.

GeneDx
Classification: Uncertain significance. Last evaluated: 2023-02-17. Review status: criteria provided, single submitter. Criteria: GeneDx Variant Classification Process June 2021. Collection method: clinical testing. Allele origin: germline. Affected: yes.
Comment: Not observed at significant frequency in large population cohorts (gnomAD); In silico analysis supports that this missense variant has a deleterious effect on protein structure/function; Has not been previously published as pathogenic or benign to our knowledge